The following is an entry in ClinVar:

NM_001360.3(DHCR7):c.760T>G (p.Ser254Ala)

Gene: DHCR7 (7-dehydrocholesterol reductase; minus strand). Cytogenetic location: 11q13.4.
Variant type: single nucleotide variant.
Coding change: c.760T>G on transcript NM_001360.3 (MANE Select); coding-DNA position 760, T replaced by G.
Protein change: p.Ser254Ala; replaces serine 254 with alanine.
Molecular consequence: missense variant.
Genome position (GRCh38, 1-based): chr11:71,438,950, A>C on the plus strand (T>G on the coding strand, the complement: DHCR7 is on the minus strand). VCF-style: chr11-71438950-A-C. GRCh37 (hg19) VCF-style: chr11-71149996-A-C.
Other names: c.760T>G, p.Ser254Ala (NM_001163817.2, NM_001425109.1, NM_001425110.1 and 6 more transcripts); c.811T>G, p.Ser271Ala (NM_001425107.1); c.796T>G, p.Ser266Ala (NM_001425108.1); c.700T>G, p.Ser234Ala (NM_001425113.1); c.664T>G, p.Ser222Ala (NM_001425114.1, NM_001425116.1); c.586T>G, p.Ser196Ala (NM_001425117.1); short protein forms S196A, S222A, S234A, S254A, S266A, S271A.
Identifiers: ClinVar variation 3768262 (VCV003768262.1).
Genomic context (GRCh38, chr11:71,438,950, plus strand): 5'-TGACCAGGACCATGGCATTGGTCACATGGCTGTGGAGCTCCCGCTGCTTCGCTGCGAAGG[A>C]CAGGTTGATGAGGGTCCAGGCGACGATCCCGGGGCGCCCATTGAAGAACAGCTTGAAGTC-3'
Protein context (NP_001351.2, residues 244-264): GIVAWTLINL[Ser254Ala]FAAKQRELHS

ClinVar aggregate classification (germline): Uncertain significance (1 of 4 stars; one submission).

Submission:

Women's Health and Genetics/Laboratory Corporation of America, LabCorp
Classification: Uncertain significance. Last evaluated: 2024-12-04. Review status: criteria provided, single submitter. Criteria: LabCorp Variant Classification Summary - May 2015. Collection method: clinical testing. Allele origin: germline.
Comment: Variant summary: DHCR7 c.760T>G (p.Ser254Ala) results in a conservative amino acid change in the encoded protein sequence. Four of five in-silico tools predict a benign effect of the variant on protein function. The variant was absent in 251296 control chromosomes (gnomAD). The available data on variant occurrences in the general population are insufficient to allow any conclusion about variant significance. c.760T>G has been reported in the literature in at least one individual affected with Smith-Lemli-Opitz Syndrome (Goldenberg_2003, Waterham_2012). These reports do not provide unequivocal conclusions about association of the variant with Smith-Lemli-Opitz Syndrome. To our knowledge, no experimental evidence demonstrating an impact on protein function has been reported. The following publications have been ascertained in the context of this evaluation (PMID: 25734025, 12818773, 23042628). No submitters have cited clinical-significance assessments for this variant to ClinVar. Based on the evidence outlined above, the variant was classified as uncertain significance.

Literature cited by the submitters: PubMed 23042628; PubMed 12818773; PubMed 25734025.